The following is an entry in ClinVar:

ClinVar aggregate classification (germline): Likely benign. Review status: criteria provided, single submitter (1 of 4 stars). 2 submissions from 2 submitters: Likely benign (1). 1 of the submissions does not count toward it. Last evaluated 2025-12-29.

Conditions:
ITGA3-related disorder. Also called: ITGA3-related condition.

Allele frequency attached by ClinVar (database versions not stated): TOPMed 0.00001.
gnomAD v4.1: 7 of 1,591,256 alleles (0.00044%); highest among the groups gnomAD compares: Admixed American, 0.011%; no homozygotes.

Submissions (2):

Labcorp Genetics (formerly Invitae), Labcorp
Classification: Likely benign. Last evaluated: 2025-12-29. Review status: criteria provided, single submitter. Criteria: Invitae Variant Classification Sherloc (09022015). Collection method: clinical testing. Allele origin: germline.

PreventionGenetics, part of Exact Sciences
Classification: Likely benign for ITGA3-related condition. Last evaluated: 2020-05-19. Review status: no assertion criteria provided. Collection method: clinical testing. Allele origin: germline. Not counted in ClinVar's aggregate classification.
Comment: This variant is classified as likely benign based on ACMG/AMP sequence variant interpretation guidelines (Richards et al. 2015 PMID: 25741868, with internal and published modifications).

NM_002204.4(ITGA3):c.144G>C (p.Pro48=)

Gene: ITGA3 (integrin subunit alpha 3; plus strand). Cytogenetic location: 17q21.33.
Variant type: single nucleotide variant.
Coding change: c.144G>C on transcript NM_002204.4 (MANE Select); coding-DNA position 144, G replaced by C.
Protein change: p.Pro48=; no amino-acid change (proline 48 retained).
Molecular consequence: synonymous variant.
Genome position (GRCh38, 1-based): chr17:50,056,583, G>C. VCF-style: chr17-50056583-G-C. GRCh37 (hg19) VCF-style: chr17-48133947-G-C.
Identifiers: ClinVar variation 3055210 (VCV003055210.3), dbSNP rs1471575304, ClinGen allele CA500825117.